The following is an entry in ClinVar:

NM_015164.4(PLEKHM2):c.517C>G (p.Gln173Glu)

Gene: PLEKHM2 (pleckstrin homology and RUN domain containing M2; plus strand). Cytogenetic location: 1p36.21.
Variant type: single nucleotide variant.
Coding change: c.517C>G on transcript NM_015164.4 (MANE Select); coding-DNA position 517, C replaced by G.
Protein change: p.Gln173Glu; replaces glutamine 173 with glutamic acid.
Molecular consequence: missense variant.
Genome position (GRCh38, 1-based): chr1:15,719,785, C>G. VCF-style: chr1-15719785-C-G. GRCh37 (hg19) VCF-style: chr1-16046280-C-G.
Other names: c.517C>G, p.Gln173Glu (NM_001410755.1); short protein forms Q173E.
Identifiers: ClinVar variation 4812351 (VCV004812351.1).
Genomic context (GRCh38, chr1:15,719,785, plus strand): 5'-TCTCCTCAGGATGCCCCTTACCTAGACCTGGCCCCCTACATGCCCGACTACTACAAACCT[C>G]AGTACCTGCTGGACTTTGAAGACCGCCTTCCCAGCTCGGTCCACGGCTCAGACAGTCTGT-3'
Protein context (NP_055979.2, residues 163-183): APYMPDYYKP[Gln173Glu]YLLDFEDRLP

ClinVar aggregate classification (germline): Uncertain significance (1 of 4 stars; one submission).

Submission:

Labcorp Genetics (formerly Invitae), Labcorp
Classification: Uncertain significance. Last evaluated: 2025-08-09. Review status: criteria provided, single submitter. Criteria: Invitae Variant Classification Sherloc (09022015). Collection method: clinical testing. Allele origin: germline.
Comment: This sequence change replaces glutamine, which is neutral and polar, with glutamic acid, which is acidic and polar, at codon 173 of the PLEKHM2 protein (p.Gln173Glu). This variant is not present in population databases (gnomAD no frequency). This variant has not been reported in the literature in individuals affected with PLEKHM2-related conditions. An algorithm developed to predict the effect of missense changes on protein structure and function (PolyPhen-2) suggests that this variant is likely to be tolerated. In summary, the available evidence is currently insufficient to determine the role of this variant in disease. Therefore, it has been classified as a Variant of Uncertain Significance.